The following is an entry in ClinVar:

NM_000329.3(RPE65):c.102C>A (p.Ile34=)

Gene: RPE65 (retinoid isomerohydrolase RPE65; minus strand). Cytogenetic location: 1p31.3.
Variant type: single nucleotide variant.
Coding change: c.102C>A on transcript NM_000329.3 (MANE Select); coding-DNA position 102, C replaced by A.
Protein change: p.Ile34=; no amino-acid change (isoleucine 34 retained).
Molecular consequence: synonymous variant.
Genome position (GRCh38, 1-based): chr1:68,446,853, G>T on the plus strand (C>A on the coding strand, the complement: RPE65 is on the minus strand). VCF-style: chr1-68446853-G-T. GRCh37 (hg19) VCF-style: chr1-68912536-G-T.
Other names: NM_000329.3(RPE65):c.102C>A; p.Ile34=.
Identifiers: ClinVar variation 770050 (VCV000770050.57), dbSNP rs146357166, ClinGen allele CA902595.
Genomic context (GRCh38, chr1:68,446,853, plus strand): 5'-AGATCCAACTTCAAAGAGTCCTGGCCCACATCGAAGGAGACTGCCGGTGAGCCAGAGGGG[G>T]ATCCTGCCTGTGATGAAGGGGAGACAGAACATTGCTTCTTATCCCTGCCTTGGGCTAGGC-3'
Protein context (NP_000320.1, residues 24-44): SPLTAHVTGR[Ile34=]PLWLTGSLLR

ClinVar aggregate classification (germline): Likely benign. Review status: reviewed by expert panel (3 of 4 stars). 6 submissions from 5 submitters: Likely benign (1). 5 of the submissions do not count toward it. Last evaluated 2025-06-30.

Conditions:
RPE65-related recessive retinopathy. Also called: Recessive RPE65 retinopathy. Identifiers: MedGen CN305526, MONDO:0100368.
Retinitis pigmentosa 20 (RP20). Identifiers: Orphanet 791, MedGen C3151086, MONDO:0013425, OMIM 613794.
Leber congenital amaurosis 2 (LCA2). Also called: Autosomal Recessive RPE65-Related Retinal Degeneration; AMAUROSIS CONGENITA OF LEBER II. Identifiers: Orphanet 65, MedGen C1859844, MONDO:0008765, OMIM 204100. Disease mechanism: loss of function.
Retinitis pigmentosa (RP). Identifiers: Orphanet 791, MedGen C0035334, MeSH D012174, MONDO:0019200, OMIM 268000. Inheritance: Autosomal dominant, autosomal recessive and X linked inheritance.

Allele frequency attached by ClinVar (database versions not stated): TOPMed 0.00029; ExAC 0.00030; gnomAD exomes 0.00031 and 0.00051; gnomAD 0.00034; ESP Exome Variant Server 0.00038.

Submissions (6):

ClinGen Leber Congenital Amaurosis/early Onset Retinal Dystrophy Variant Curation Expert Panel, ClinGen
Classification: Likely benign for RPE65-related recessive retinopathy. Last evaluated: 2025-06-30. Review status: reviewed by expert panel. Criteria: ClinGen LCAeoRD ACMG Specifications RPE65 V1.0.0. Collection method: curation. Allele origin: germline. Inheritance: Autosomal recessive inheritance.
Comment: NM_000329.3(RPE65):c.102C>A is a synonymous variant encoding isoleucine at position p.34, and is located at the 8th nucleotide from the start of exon 3, outside of the first 3 nucleotides considered to be important for splicing. The splicing impact predictor SpliceAI gives a delta score of 0.0, which is below the ClinGen LCA / eoRD VCEP recommended threshold of <0.1 and does not predict an impact on splicing (BP4, BP7). This variant is present in gnomAD v.4.1.0 with a GrpMax allele frequency of 0.0005837, with 733 alleles / 1,180,046 total alleles in the European (non-Finnish) population, which is higher than the ClinGen LCA / eoRD VCEP PM2_Supporting threshold of <0.0002 but lower than the BS1 threshold of >0.0008 and fails to meet either criterion. This variant has been reported in at least 1 proband with adult-onset retinal dystrophy who harbored the variant in the compound heterozygous state (PMID 35569774). However, the proband was not counted for PM3 because of the age of onset and because the NM_000329.3(RPE65):c.1237C>T (p.Arg413Cys) variant in trans has not yet been classified by the LCA / eoRD VCEP. In summary, this variant meets the criteria to be classified as likely benign for RPE65-related recessive retinopathy based on the ACMG/AMP criteria applied, as specified by the ClinGen LCA / eoRD VCEP: BP4 and BP7. (VCEP specifications version 1.0.0; date of approval 09/21/2023).

Labcorp Genetics (formerly Invitae), Labcorp
Classification: Likely benign for Leber congenital amaurosis 2; Retinitis pigmentosa 20. Last evaluated: 2026-01-13. Review status: criteria provided, single submitter. Criteria: Invitae Variant Classification Sherloc (09022015). Collection method: clinical testing. Allele origin: germline. Not counted in ClinVar's aggregate classification.

Blueprint Genetics
Classification: Likely benign. Last evaluated: 2024-10-18. Review status: criteria provided, single submitter. Criteria: ACMG Guidelines, 2015. Collection method: clinical testing. Allele origin: germline. Not counted in ClinVar's aggregate classification.

Illumina Laboratory Services, Illumina
Classification: Uncertain significance for Leber congenital amaurosis 2. Last evaluated: 2017-04-27. Review status: criteria provided, single submitter. Criteria: ICSL Variant Classification Criteria 13 December 2019. Collection method: clinical testing. Allele origin: germline. Not counted in ClinVar's aggregate classification.
Comment: This variant was observed as part of a predisposition screen in an ostensibly healthy population. A literature search was performed for the gene, cDNA change, and amino acid change (where applicable). Publications were found based on this search. However, the evidence from the literature, in combination with allele frequency data from public databases where available, was not sufficient to rule this variant in or out of causing disease. Therefore, this variant is classified as a variant of unknown significance.

Illumina Laboratory Services, Illumina
Classification: Uncertain significance for Retinitis pigmentosa. Last evaluated: 2017-04-27. Review status: criteria provided, single submitter. Criteria: ICSL Variant Classification Criteria 13 December 2019. Collection method: clinical testing. Allele origin: germline. Not counted in ClinVar's aggregate classification.
Comment: the same text as in the submission from Illumina Laboratory Services, Illumina above.

CeGaT Center for Human Genetics Tuebingen
Classification: Uncertain significance. Last evaluated: 2016-05-01. Review status: criteria provided, single submitter. Criteria: CeGaT Center For Human Genetics Tuebingen Variant Classification Criteria Version 2. Collection method: clinical testing. Allele origin: germline. Affected: yes. Observed: 1 variant allele. Not counted in ClinVar's aggregate classification.

Literature cited by the submitters: PubMed 18722466 (cited by Illumina Laboratory Services, Illumina).